The following is an entry in ClinVar:

NM_000051.4(ATM):c.5042T>G (p.Ile1681Arg)

Gene: ATM (ATM serine/threonine kinase; plus strand). Cytogenetic location: 11q22.3.
Variant type: single nucleotide variant.
Coding change: c.5042T>G on transcript NM_000051.4 (MANE Select); coding-DNA position 5042, T replaced by G.
Protein change: p.Ile1681Arg; replaces isoleucine 1681 with arginine.
Molecular consequence: missense variant.
Genome position (GRCh38, 1-based): chr11:108,299,750, T>G. VCF-style: chr11-108299750-T-G. GRCh37 (hg19) VCF-style: chr11-108170477-T-G.
Other names: c.5042T>G, p.Ile1681Arg (NM_001351834.2); short protein forms I1681R.
Identifiers: ClinVar variation 1434321 (VCV001434321.8), dbSNP rs1307715383, ClinGen allele CA382540374.

ClinVar aggregate classification (germline): Uncertain significance (1 of 4 stars; one submission).

Conditions:
Ataxia-telangiectasia syndrome (AT). Also called: ATAXIA-TELANGIECTASIA, FRESNO VARIANT; ATAXIA-TELANGIECTASIA, COMPLEMENTATION GROUP A; Ataxia-telangiectasia, complementation group D; AT, COMPLEMENTATION GROUP C; Ataxia telangiectasia (A-T); LOUIS-BAR SYNDROME. Identifiers: Orphanet 100, MedGen C0004135, MONDO:0008840, OMIM 208900.

gnomAD v4.1: 1 of 1,613,848 alleles (0.000062%); highest among the groups gnomAD compares: African/African-American, 0.0013%; no homozygotes.

Submission:

Labcorp Genetics (formerly Invitae), Labcorp
Classification: Uncertain significance for Ataxia-telangiectasia syndrome. Last evaluated: 2024-10-01. Review status: criteria provided, single submitter. Criteria: Invitae Variant Classification Sherloc (09022015). Collection method: clinical testing. Allele origin: germline.
Comment: This sequence change replaces isoleucine, which is neutral and non-polar, with arginine, which is basic and polar, at codon 1681 of the ATM protein (p.Ile1681Arg). This variant is not present in population databases (gnomAD no frequency). This variant has not been reported in the literature in individuals affected with ATM-related conditions. ClinVar contains an entry for this variant (Variation ID: 1434321). An algorithm developed to predict the effect of missense changes on protein structure and function (PolyPhen-2) suggests that this variant is likely to be tolerated. In summary, the available evidence is currently insufficient to determine the role of this variant in disease. Therefore, it has been classified as a Variant of Uncertain Significance.